The following is an entry in ClinVar:

ClinVar aggregate classification (germline): Uncertain significance. Review status: criteria provided, multiple submitters, no conflicts (2 of 4 stars). 3 submissions from 3 submitters: Uncertain significance (3). Last evaluated 2025-07-29.

Conditions:
Hereditary cancer-predisposing syndrome. Also called: Neoplastic Syndromes, Hereditary; Hereditary Cancer Syndrome; Hereditary neoplastic syndrome; Tumor predisposition. Identifiers: Orphanet 140162, MedGen C0027672, MeSH D009386, MONDO:0015356.
Tuberous sclerosis 2 (TSC2). Identifiers: Orphanet 805, MedGen C1860707, MONDO:0013199, OMIM 613254.

Submissions (3):

Ambry Genetics
Classification: Uncertain significance for Hereditary cancer-predisposing syndrome. Last evaluated: 2025-07-29. Review status: criteria provided, single submitter. Criteria: Ambry Variant Classification Scheme 2023. Collection method: clinical testing. Allele origin: germline.
Comment: The p.M201L variant (also known as c.601A>T), located in coding exon 6 of the TSC2 gene, results from an A to T substitution at nucleotide position 601. The methionine at codon 201 is replaced by leucine, an amino acid with highly similar properties. This amino acid position is not well conserved in available vertebrate species. In addition, this alteration is predicted to be tolerated by in silico analysis. Based on the available evidence, the clinical significance of this variant remains unclear.

Labcorp Genetics (formerly Invitae), Labcorp
Classification: Uncertain significance for Tuberous sclerosis 2. Last evaluated: 2024-04-05. Review status: criteria provided, single submitter. Criteria: Invitae Variant Classification Sherloc (09022015). Collection method: clinical testing. Allele origin: germline.
Comment: This sequence change replaces methionine, which is neutral and non-polar, with leucine, which is neutral and non-polar, at codon 201 of the TSC2 protein (p.Met201Leu). This variant is not present in population databases (gnomAD no frequency). This variant has not been reported in the literature in individuals affected with TSC2-related conditions. ClinVar contains an entry for this variant (Variation ID: 826136). Algorithms developed to predict the effect of missense changes on protein structure and function output the following: SIFT: "Not Available"; PolyPhen-2: "Benign"; Align-GVGD: "Not Available". The leucine amino acid residue is found in multiple mammalian species, which suggests that this missense change does not adversely affect protein function. In summary, the available evidence is currently insufficient to determine the role of this variant in disease. Therefore, it has been classified as a Variant of Uncertain Significance.

Genome-Nilou Lab
Classification: Uncertain significance for Tuberous sclerosis 2. Last evaluated: 2021-11-07. Review status: criteria provided, single submitter. Criteria: ACMG Guidelines, 2015. Collection method: clinical testing. Allele origin: germline. Affected: no.

NM_000548.5(TSC2):c.601A>T (p.Met201Leu)

Gene: TSC2 (TSC complex subunit 2; plus strand). Cytogenetic location: 16p13.3.
Variant type: single nucleotide variant.
Coding change: c.601A>T on transcript NM_000548.5 (MANE Select); coding-DNA position 601, A replaced by T.
Protein change: p.Met201Leu; replaces methionine 201 with leucine.
Molecular consequence: missense variant. On other transcripts: initiator codon variant (1).
Genome position (GRCh38, 1-based): chr16:2,056,197, A>T. VCF-style: chr16-2056197-A-T. GRCh37 (hg19) VCF-style: chr16-2106198-A-T.
Other names: c.601A>T, p.Met201Leu (NM_001363528.2, NM_001370404.1, NM_001370405.1 and 3 more transcripts); c.490A>T, p.Met164Leu (NM_001318827.2); c.454A>T, p.Met152Leu (NM_001318829.2); c.1A>T, p.Met1Leu (NM_001318831.2); c.634A>T, p.Met212Leu (NM_001318832.2); short protein forms M201L, M212L, M164L, M1L, M152L.
Identifiers: ClinVar variation 826136 (VCV000826136.17), dbSNP rs1596275224, ClinGen allele CA394310608.